The following is an entry in ClinVar:

ClinVar aggregate classification (germline): Uncertain significance (1 of 4 stars; one submission).

Conditions:
MHC class I deficiency. Identifiers: Orphanet 34592, MedGen C6024714, MONDO:0011476.

Allele frequency attached by ClinVar (database versions not stated): gnomAD exomes below 0.00001; TOPMed 0.00001; gnomAD 0.00001.
gnomAD v4.1: 5 of 1,612,874 alleles (0.00031%); highest among the groups gnomAD compares: Non-Finnish European, 0.00042%; no homozygotes.

Submission:

Labcorp Genetics (formerly Invitae), Labcorp
Classification: Uncertain significance for MHC class I deficiency 1. Last evaluated: 2019-07-10. Review status: criteria provided, single submitter. Criteria: Invitae Variant Classification Sherloc (09022015). Collection method: clinical testing. Allele origin: germline.
Comment: This sequence change replaces arginine with glutamine at codon 372 of the TAP1 protein (p.Arg372Gln). The arginine residue is moderately conserved and there is a small physicochemical difference between arginine and glutamine. This variant is not present in population databases (ExAC no frequency). This variant has not been reported in the literature in individuals with TAP1-related conditions. Algorithms developed to predict the effect of missense changes on protein structure and function are either unavailable or do not agree on the potential impact of this missense change (SIFT: "Tolerated"; PolyPhen-2: "Probably Damaging"; Align-GVGD: "Class C0"). In summary, the available evidence is currently insufficient to determine the role of this variant in disease. Therefore, it has been classified as a Variant of Uncertain Significance.

NM_000593.6(TAP1):c.935G>A (p.Arg312Gln)

Gene: TAP1 (transporter 1, ATP binding cassette subfamily B member; minus strand). Cytogenetic location: 6p21.32.
Variant type: single nucleotide variant.
Coding change: c.935G>A on transcript NM_000593.6 (MANE Select); coding-DNA position 935, G replaced by A.
Protein change: p.Arg312Gln; replaces arginine 312 with glutamine.
Molecular consequence: missense variant.
Genome position (GRCh38, 1-based): chr6:32,851,059, C>T on the plus strand (G>A on the coding strand, the complement: TAP1 is on the minus strand). VCF-style: chr6-32851059-C-T. GRCh37 (hg19) VCF-style: chr6-32818836-C-T.
Other names: c.332G>A, p.Arg111Gln (NM_001292022.2); short protein forms R111Q, R312Q.
Identifiers: ClinVar variation 951669 (VCV000951669.9), dbSNP rs1226281975, ClinGen allele CA363593081.